The following is an entry in ClinVar:

NM_003680.4(YARS1):c.974G>A (p.Arg325Gln)

Gene: YARS1 (tyrosyl-tRNA synthetase 1; minus strand). Cytogenetic location: 1p35.1.
Variant type: single nucleotide variant.
Coding change: c.974G>A on transcript NM_003680.4 (MANE Select); coding-DNA position 974, G replaced by A.
Protein change: p.Arg325Gln; replaces arginine 325 with glutamine.
Molecular consequence: missense variant.
Genome position (GRCh38, 1-based): chr1:32,782,472, C>T on the plus strand (G>A on the coding strand, the complement: YARS1 is on the minus strand). VCF-style: chr1-32782472-C-T. GRCh37 (hg19) VCF-style: chr1-33248073-C-T.
Other names: short protein forms R325Q.
Identifiers: ClinVar variation 3707352 (VCV003707352.2).

ClinVar aggregate classification (germline): Uncertain significance (1 of 4 stars; one submission).

Conditions:
Charcot-Marie-Tooth disease dominant intermediate C (CMTDIC). Also called: CHARCOT-MARIE-TOOTH NEUROPATHY, DOMINANT INTERMEDIATE C. Identifiers: Orphanet 100045, MedGen C1842237, MONDO:0012012, OMIM 608323.

gnomAD v4.1: 8 of 1,614,068 alleles (0.0005%); highest among the groups gnomAD compares: African/African-American, 0.0013%; no homozygotes.

Submission:

Labcorp Genetics (formerly Invitae), Labcorp
Classification: Uncertain significance for Charcot-Marie-Tooth disease dominant intermediate C. Last evaluated: 2024-07-02. Review status: criteria provided, single submitter. Criteria: Invitae Variant Classification Sherloc (09022015). Collection method: clinical testing. Allele origin: germline.
Comment: This sequence change replaces arginine, which is basic and polar, with glutamine, which is neutral and polar, at codon 325 of the YARS protein (p.Arg325Gln). This variant is present in population databases (rs781526540, gnomAD 0.002%). This variant has not been reported in the literature in individuals affected with YARS-related conditions. Advanced modeling of protein sequence and biophysical properties (such as structural, functional, and spatial information, amino acid conservation, physicochemical variation, residue mobility, and thermodynamic stability) performed at Invitae indicates that this missense variant is not expected to disrupt YARS protein function with a negative predictive value of 80%. In summary, the available evidence is currently insufficient to determine the role of this variant in disease. Therefore, it has been classified as a Variant of Uncertain Significance.